The following is an entry in ClinVar:

ClinVar aggregate classification (germline): Uncertain significance. Review status: criteria provided, multiple submitters, no conflicts (2 of 4 stars). 2 submissions from 2 submitters: Uncertain significance (2). Last evaluated 2025-11-17.

Allele frequency attached by ClinVar (database versions not stated): ExAC 0.00002.
gnomAD v4.1: 3 of 1,613,804 alleles (0.00019%); highest among the groups gnomAD compares: Non-Finnish European, 0.00025%; no homozygotes.

Submissions (2):

Labcorp Genetics (formerly Invitae), Labcorp
Classification: Uncertain significance. Last evaluated: 2025-11-17. Review status: criteria provided, single submitter. Criteria: Invitae Variant Classification Sherloc (09022015). Collection method: clinical testing. Allele origin: germline.
Comment: This sequence change replaces alanine, which is neutral and non-polar, with threonine, which is neutral and polar, at codon 862 of the EGF protein (p.Ala862Thr). This variant is present in population databases (rs779866555, gnomAD 0.002%). This variant has not been reported in the literature in individuals affected with EGF-related conditions. ClinVar contains an entry for this variant (Variation ID: 2414569). An algorithm developed to predict the effect of missense changes on protein structure and function outputs the following: PolyPhen-2: "Benign". The threonine amino acid residue is found in multiple mammalian species, which suggests that this missense change does not adversely affect protein function. In summary, the available evidence is currently insufficient to determine the role of this variant in disease. Therefore, it has been classified as a Variant of Uncertain Significance.

Ambry Genetics
Classification: Uncertain significance. Last evaluated: 2023-06-27. Review status: criteria provided, single submitter. Criteria: Ambry Variant Classification Scheme 2023. Collection method: clinical testing. Allele origin: germline.

NM_001963.6(EGF):c.2584G>A (p.Ala862Thr)

Gene: EGF (epidermal growth factor; plus strand). Cytogenetic location: 4q25.
Variant type: single nucleotide variant.
Coding change: c.2584G>A on transcript NM_001963.6 (MANE Select); coding-DNA position 2584, G replaced by A.
Protein change: p.Ala862Thr; replaces alanine 862 with threonine.
Molecular consequence: missense variant. On other transcripts: intron variant (1).
Genome position (GRCh38, 1-based): chr4:109,987,836, G>A. VCF-style: chr4-109987836-G-A. GRCh37 (hg19) VCF-style: chr4-110908992-G-A.
Other names: c.2584G>A, p.Ala862Thr (NM_001178130.3); c.2458G>A, p.Ala820Thr (NM_001178131.3); c.2365+4295G>A (NM_001357021.2); c.2584G>A (NM_001963.4); short protein forms A820T, A862T.
Identifiers: ClinVar variation 2414569 (VCV002414569.7), dbSNP rs779866555, ClinGen allele CA3044004.